The following is an entry in ClinVar:

ClinVar aggregate classification (germline): Uncertain significance (1 of 4 stars; one submission).

Conditions:
Hereditary cancer-predisposing syndrome. Also called: Neoplastic Syndromes, Hereditary; Hereditary Cancer Syndrome; Hereditary neoplastic syndrome; Tumor predisposition. Identifiers: Orphanet 140162, MedGen C0027672, MeSH D009386, MONDO:0015356.

Allele frequency attached by ClinVar (database versions not stated): gnomAD exomes below 0.00001.
gnomAD v4.1: 6 of 1,610,056 alleles (0.00037%); highest among the groups gnomAD compares: Non-Finnish European, 0.00051%; no homozygotes.

Submission:

Ambry Genetics
Classification: Uncertain significance for Hereditary cancer-predisposing syndrome. Last evaluated: 2023-04-09. Review status: criteria provided, single submitter. Criteria: Ambry Variant Classification Scheme 2023. Collection method: clinical testing. Allele origin: germline.
Comment: The p.L189F variant (also known as c.565C>T), located in coding exon 6 of the MRE11A gene, results from a C to T substitution at nucleotide position 565. The leucine at codon 189 is replaced by phenylalanine, an amino acid with highly similar properties. This amino acid position is conserved. In addition, this alteration is predicted to be deleterious by in silico analysis. Since supporting evidence is limited at this time, the clinical significance of this alteration remains unclear.

NM_005591.4(MRE11):c.565C>T (p.Leu189Phe)

Gene: MRE11 (MRE11 double strand break repair nuclease; minus strand). Cytogenetic location: 11q21.
Variant type: single nucleotide variant.
Coding change: c.565C>T on transcript NM_005591.4 (MANE Select); coding-DNA position 565, C replaced by T.
Protein change: p.Leu189Phe; replaces leucine 189 with phenylalanine.
Molecular consequence: missense variant.
Genome position (GRCh38, 1-based): chr11:94,476,383, G>A on the plus strand (C>T on the coding strand, the complement: MRE11 is on the minus strand). VCF-style: chr11-94476383-G-A. GRCh37 (hg19) VCF-style: chr11-94209549-G-A.
Other names: c.565C>T, p.Leu189Phe (NM_001330347.2, NM_005590.4); short protein forms L189F.
Identifiers: ClinVar variation 2565898 (VCV002565898.2), dbSNP rs1946856671, ClinGen allele CA382376981.